The following is an entry in ClinVar:

NM_000452.3(SLC10A2):c.787G>A (p.Gly263Arg)

Gene: SLC10A2 (solute carrier family 10 member 2; minus strand). Cytogenetic location: 13q33.1.
Variant type: single nucleotide variant.
Coding change: c.787G>A on transcript NM_000452.3 (MANE Select); coding-DNA position 787, G replaced by A.
Protein change: p.Gly263Arg; replaces glycine 263 with arginine.
Molecular consequence: missense variant.
Genome position (GRCh38, 1-based): chr13:103,049,421, C>T on the plus strand (G>A on the coding strand, the complement: SLC10A2 is on the minus strand). VCF-style: chr13-103049421-C-T. GRCh37 (hg19) VCF-style: chr13-103701771-C-T.
Other names: short protein forms G263R.
Identifiers: ClinVar variation 2807414 (VCV002807414.3), dbSNP rs1875706128, ClinGen allele CA388605938.

ClinVar aggregate classification (germline): Uncertain significance (1 of 4 stars; one submission).

Allele frequency attached by ClinVar (database versions not stated): TOPMed below 0.00001.

Submission:

Labcorp Genetics (formerly Invitae), Labcorp
Classification: Uncertain significance. Last evaluated: 2023-03-01. Review status: criteria provided, single submitter. Criteria: Invitae Variant Classification Sherloc (09022015). Collection method: clinical testing. Allele origin: germline.
Comment: This sequence change replaces glycine, which is neutral and non-polar, with arginine, which is basic and polar, at codon 263 of the SLC10A2 protein (p.Gly263Arg). This variant is not present in population databases (gnomAD no frequency). This variant has not been reported in the literature in individuals affected with SLC10A2-related conditions. Advanced modeling of protein sequence and biophysical properties (such as structural, functional, and spatial information, amino acid conservation, physicochemical variation, residue mobility, and thermodynamic stability) performed at Invitae indicates that this missense variant is expected to disrupt SLC10A2 protein function. In summary, the available evidence is currently insufficient to determine the role of this variant in disease. Therefore, it has been classified as a Variant of Uncertain Significance.